The following is an entry in ClinVar:

NM_030787.4(CFHR5):c.1322G>A (p.Arg441His)

Gene: CFHR5 (complement factor H related 5; plus strand). Cytogenetic location: 1q31.3.
Variant type: single nucleotide variant.
Coding change: c.1322G>A on transcript NM_030787.4 (MANE Select); coding-DNA position 1322, G replaced by A.
Protein change: p.Arg441His; replaces arginine 441 with histidine.
Molecular consequence: missense variant.
Genome position (GRCh38, 1-based): chr1:197,002,656, G>A. VCF-style: chr1-197002656-G-A. GRCh37 (hg19) VCF-style: chr1-196971786-G-A.
Other names: p.Arg441His; short protein forms R441H.
Identifiers: ClinVar variation 747788 (VCV000747788.9), dbSNP rs776063846, ClinGen allele CA1308022.

ClinVar aggregate classification (germline): Conflicting classifications of pathogenicity. Review status: criteria provided, conflicting classifications (1 of 4 stars). 4 submissions from 4 submitters: Uncertain significance (2); Likely benign (2). Last evaluated 2026-01-15.

Conditions:
Inborn genetic diseases. Identifiers: MedGen C0950123, MeSH D030342.

Allele frequency attached by ClinVar (database versions not stated): gnomAD 0.00006; ExAC 0.00008; TOPMed 0.00008; gnomAD exomes 0.00013.
gnomAD v4.1: 54 of 1,611,896 alleles (0.0034%); highest among the groups gnomAD compares: Admixed American, 0.073%; no homozygotes.

Submissions (4):

Labcorp Genetics (formerly Invitae), Labcorp
Classification: Likely benign. Last evaluated: 2026-01-15. Review status: criteria provided, single submitter. Criteria: Invitae Variant Classification Sherloc (09022015). Collection method: clinical testing. Allele origin: germline.

Ambry Genetics
Classification: Likely benign for Inborn genetic diseases. Last evaluated: 2025-04-08. Review status: criteria provided, single submitter. Criteria: Ambry Variant Classification Scheme 2023. Collection method: clinical testing. Allele origin: germline.

Women's Health and Genetics/Laboratory Corporation of America, LabCorp
Classification: Uncertain significance. Last evaluated: 2024-11-13. Review status: criteria provided, single submitter. Criteria: LabCorp Variant Classification Summary - May 2015. Collection method: clinical testing. Allele origin: germline.
Comment: Variant summary: CFHR5 c.1322G>A (p.Arg441His) results in a non-conservative amino acid change located in the Sushi/SCR/CCP domain of the encoded protein sequence. Four of five in-silico tools predict a benign effect of the variant on protein function. The variant allele was found at a frequency of 0.00013 in 250764 control chromosomes. This frequency is not significantly higher than estimated for a pathogenic variant in CFHR5 causing CFHR5 Deficiency, allowing no conclusion about variant significance. To our knowledge, no occurrence of c.1322G>A in individuals affected with CFHR5 Deficiency and no experimental evidence demonstrating its impact on protein function have been reported. ClinVar contains an entry for this variant (Variation ID: 747788). Based on the evidence outlined above, the variant was classified as uncertain significance.

Mayo Clinic Laboratories, Mayo Clinic
Classification: Uncertain significance. Last evaluated: 2022-04-05. Review status: criteria provided, single submitter. Criteria: ACMG Guidelines, 2015. Collection method: clinical testing. Allele origin: germline. Observed: 1 variant allele.
Comment: BP4